The following is an entry in ClinVar:

ClinVar aggregate classification (germline): Uncertain significance. Review status: criteria provided, multiple submitters, no conflicts (2 of 4 stars). 2 submissions from 2 submitters: Uncertain significance (2). Last evaluated 2025-12-23.

Allele frequency attached by ClinVar (database versions not stated): gnomAD exomes below 0.00001 and 0.00001; ExAC 0.00001.
gnomAD v4.1: 7 of 1,612,990 alleles (0.00043%); highest among the groups gnomAD compares: South Asian, 0.0044%; no homozygotes.

Submissions (2):

Labcorp Genetics (formerly Invitae), Labcorp
Classification: Uncertain significance. Last evaluated: 2025-12-23. Review status: criteria provided, single submitter. Criteria: Invitae Variant Classification Sherloc (09022015). Collection method: clinical testing. Allele origin: germline.
Comment: This sequence change replaces threonine, which is neutral and polar, with isoleucine, which is neutral and non-polar, at codon 778 of the WFS1 protein (p.Thr778Ile). This variant is present in population databases (rs761699648, gnomAD 0.007%). This variant has not been reported in the literature in individuals affected with WFS1-related conditions. ClinVar contains an entry for this variant (Variation ID: 1321085). Invitae Evidence Modeling of protein sequence and biophysical properties (such as structural, functional, and spatial information, amino acid conservation, physicochemical variation, residue mobility, and thermodynamic stability) indicates that this missense variant is expected to disrupt WFS1 protein function with a positive predictive value of 80%. In summary, the available evidence is currently insufficient to determine the role of this variant in disease. Therefore, it has been classified as a Variant of Uncertain Significance.

GeneDx
Classification: Uncertain significance. Last evaluated: 2021-04-21. Review status: criteria provided, single submitter. Criteria: GeneDx Variant Classification Process June 2021. Collection method: clinical testing. Allele origin: germline. Affected: yes.
Comment: Not observed at a significant frequency in large population cohorts (Lek et al., 2016); In silico analysis supports that this missense variant has a deleterious effect on protein structure/function; Has not been previously published as pathogenic or benign to our knowledge

NM_006005.3(WFS1):c.2333C>T (p.Thr778Ile)

Gene: WFS1 (wolframin ER transmembrane glycoprotein; plus strand). Cytogenetic location: 4p16.1.
Variant type: single nucleotide variant.
Coding change: c.2333C>T on transcript NM_006005.3 (MANE Select); coding-DNA position 2333, C replaced by T.
Protein change: p.Thr778Ile; replaces threonine 778 with isoleucine.
Molecular consequence: missense variant.
Genome position (GRCh38, 1-based): chr4:6,302,128, C>T. VCF-style: chr4-6302128-C-T. GRCh37 (hg19) VCF-style: chr4-6303855-C-T.
Other names: c.2333C>T, p.Thr778Ile (NM_001145853.1); short protein forms T778I.
Identifiers: ClinVar variation 1321085 (VCV001321085.9), dbSNP rs761699648, ClinGen allele CA2839687.